The following is an entry in ClinVar:

NM_018429.3(BDP1):c.7744-1G>A

Gene: BDP1 (BDP1 general transcription factor IIIB subunit; plus strand). Cytogenetic location: 5q13.2.
Variant type: single nucleotide variant.
Coding change: c.7744-1G>A on transcript NM_018429.3 (MANE Select); the canonical splice acceptor site of the intron before coding-DNA position 7744, G replaced by A.
Molecular consequence: splice acceptor variant.
Genome position (GRCh38, 1-based): chr5:71,564,753, G>A. VCF-style: chr5-71564753-G-A. GRCh37 (hg19) VCF-style: chr5-70860580-G-A.
Identifiers: ClinVar variation 1064979 (VCV001064979.3), dbSNP rs772970426, ClinGen allele CA3297615.

ClinVar aggregate classification (germline): Uncertain significance (1 of 4 stars; one submission).

Conditions:
Hearing impairment. Also called: Impaired Hearing. Identifiers: MedGen C1384666, MONDO:0005365, HP:0000365.

Allele frequency attached by ClinVar (database versions not stated): TOPMed below 0.00001; ExAC 0.00001; gnomAD 0.00001; gnomAD exomes 0.00001.
gnomAD v4.1: 14 of 1,593,914 alleles (0.00088%); highest among the groups gnomAD compares: Non-Finnish European, 0.0012%; no homozygotes.

Submission:

Department of Otolaryngology – Head & Neck Surgery, Cochlear Implant Center
Classification: Uncertain significance for Hearing impairment. Last evaluated: 2021-04-12. Review status: criteria provided, single submitter. Criteria: ClinGen HL ACMG Specifications v1. Collection method: clinical testing. Allele origin: germline. Affected: yes.
Comment: PVS1_Strong, PM2_Moderate